The following is an entry in ClinVar:

NM_012281.3(KCND2):c.1716-8del

Gene: KCND2 (potassium voltage-gated channel subfamily D member 2; plus strand). Cytogenetic location: 7q31.31.
Variant type: Deletion.
Coding change: c.1716-8del on transcript NM_012281.3 (MANE Select); 8 bases into the intron before coding-DNA position 1716, one base deleted (T; older notation c.1716-8delT).
Molecular consequence: intron variant.
Genome position (GRCh38, 1-based): chr7:120,747,673, T deleted; the last of 9 consecutive T bases (chr7:120,747,665-120,747,673); deleting any one gives the same sequence. VCF-style (leftmost placement, unchanged base first): chr7-120747664-AT-A. GRCh37 (hg19) VCF-style: chr7-120387718-AT-A.
Other names: c.1716-8delT (NM_012281.3).
Identifiers: ClinVar variation 1601593 (VCV001601593.16), dbSNP rs570695615, ClinGen allele CA4453747.

ClinVar aggregate classification (germline): Benign/Likely benign. Review status: criteria provided, multiple submitters, no conflicts (2 of 4 stars). 3 submissions from 3 submitters: Benign (2); Likely benign (1). Last evaluated 2026-02-02.

Conditions:
Early Myoclonic Encephalopathy. Identifiers: MedGen C0270855.

Submissions (3):

Labcorp Genetics (formerly Invitae), Labcorp
Classification: Benign for Early Myoclonic Encephalopathy. Last evaluated: 2026-02-02. Review status: criteria provided, single submitter. Criteria: Invitae Variant Classification Sherloc (09022015). Collection method: clinical testing. Allele origin: germline.

CeGaT Center for Human Genetics Tuebingen
Classification: Likely benign. Last evaluated: 2026-02-01. Review status: criteria provided, single submitter. Criteria: CeGaT Center For Human Genetics Tuebingen Variant Classification Criteria Version 2. Collection method: clinical testing. Allele origin: germline. Affected: yes. Observed: 3 variant alleles.
Comment: KCND2: BP4, BS1

Women's Health and Genetics/Laboratory Corporation of America, LabCorp
Classification: Benign. Last evaluated: 2024-06-17. Review status: criteria provided, single submitter. Criteria: LabCorp Variant Classification Summary - May 2015. Collection method: clinical testing. Allele origin: germline.